The following is an entry in ClinVar:

NM_006445.4(PRPF8):c.3812T>C (p.Met1271Thr)

Gene: PRPF8 (pre-mRNA processing factor 8; minus strand). Cytogenetic location: 17p13.3.
Variant type: single nucleotide variant.
Coding change: c.3812T>C on transcript NM_006445.4 (MANE Select); coding-DNA position 3812, T replaced by C.
Protein change: p.Met1271Thr; replaces methionine 1271 with threonine.
Molecular consequence: missense variant.
Genome position (GRCh38, 1-based): chr17:1,662,116, A>G on the plus strand (T>C on the coding strand, the complement: PRPF8 is on the minus strand). VCF-style: chr17-1662116-A-G. GRCh37 (hg19) VCF-style: chr17-1565410-A-G.
Other names: short protein forms M1271T.
Identifiers: ClinVar variation 968423 (VCV000968423.7), dbSNP rs1911702506, ClinGen allele CA397579488.

ClinVar aggregate classification (germline): Uncertain significance (1 of 4 stars; one submission).

Allele frequency attached by ClinVar (database versions not stated): TOPMed below 0.00001.

Submission:

Labcorp Genetics (formerly Invitae), Labcorp
Classification: Uncertain significance. Last evaluated: 2019-10-31. Review status: criteria provided, single submitter. Criteria: Invitae Variant Classification Sherloc (09022015). Collection method: clinical testing. Allele origin: germline.
Comment: This sequence change replaces methionine with threonine at codon 1271 of the PRPF8 protein (p.Met1271Thr). The methionine residue is moderately conserved and there is a moderate physicochemical difference between methionine and threonine. This variant is not present in population databases (ExAC no frequency). This variant has not been reported in the literature in individuals with PRPF8-related conditions. Algorithms developed to predict the effect of missense changes on protein structure and function are either unavailable or do not agree on the potential impact of this missense change (SIFT: "Deleterious"; PolyPhen-2: "Benign"; Align-GVGD: "Class C0"). In summary, the available evidence is currently insufficient to determine the role of this variant in disease. Therefore, it has been classified as a Variant of Uncertain Significance.